The following is an entry in ClinVar:

ClinVar aggregate classification (germline): Uncertain significance. Review status: criteria provided, multiple submitters, no conflicts (2 of 4 stars). 2 submissions from 2 submitters: Uncertain significance (2). Last evaluated 2026-01-26.

Conditions:
TPM1-related disorder. Also called: TPM1-related condition.

Allele frequency attached by ClinVar (database versions not stated): TOPMed 0.00002; gnomAD 0.00003 and 0.00004.
gnomAD v4.1: 7 of 1,533,448 alleles (0.00046%); highest among the groups gnomAD compares: African/African-American, 0.0085%; no homozygotes.

Submissions (2):

PreventionGenetics, part of Exact Sciences
Classification: Uncertain significance for TPM1-related condition. Last evaluated: 2026-01-26. Review status: criteria provided, single submitter. Criteria: ACMG Guidelines, 2015. Collection method: clinical testing. Allele origin: germline.
Comment: The TPM1 c.34A>T variant is predicted to result in the amino acid substitution p.Arg12Trp. To our knowledge, this variant has not been reported in the literature. This variant is reported in 0.012% of alleles in individuals of African descent in gnomAD v2 and 0.008% in the same subpopulation in gnomAD v4 (available only on GRCh38). At this time, the clinical significance of this variant is uncertain due to the absence of conclusive functional and genetic evidence.

Laboratory for Molecular Medicine, Mass General Brigham Personalized Medicine
Classification: Uncertain significance. Last evaluated: 2012-11-28. Review status: criteria provided, single submitter. Criteria: LMM Criteria. Collection method: clinical testing. Allele origin: germline. Observed: 1 variant allele.
Comment: The Arg12Trp variant in TPM1 has not been reported in the literature nor previou sly identified by our laboratory. Computational analyses (biochemical amino acid properties, AlignGVGD, PolyPhen2, and SIFT) do not provide strong support for o r against an impact to the protein. At this time, additional information is need ed to fully assess the clinical significance of this variant.

NM_001018005.2(TPM1):c.240+4457A>T

Genes: TPM1 (tropomyosin 1; plus strand), TPM1-AS (TPM1 antisense RNA; minus strand), LOC130057222 (ATAC-STARR-seq lymphoblastoid silent region 6507; plus strand). Cytogenetic location: 15q22.2.
Variant type: single nucleotide variant.
Coding change: c.240+4457A>T on transcript NM_001018005.2 (MANE Select); 4457 bases into the intron after coding-DNA position 240, A replaced by T.
Molecular consequence: intron variant. On other transcripts: non-coding transcript variant (1), missense variant (8).
Genome position (GRCh38, 1-based): chr15:63,048,609, A>T. VCF-style: chr15-63048609-A-T. GRCh37 (hg19) VCF-style: chr15-63340808-A-T.
Other names: c.34A>T, p.Arg12Trp (NM_001018008.2, NM_001301289.2, NM_001330344.2 and 5 more transcripts); c.366+4457A>T (NM_001365778.1); c.240+4778A>T (NM_001018020.2, NM_001018007.2, NM_001301244.2); c.240+4457A>T (NM_001018006.2, NM_001365776.1, NM_001018004.2 and 3 more transcripts); short protein forms R12W.
Identifiers: ClinVar variation 43682 (VCV000043682.6), dbSNP rs397516489, ClinGen allele CA018751.